The following is an entry in ClinVar:

ClinVar aggregate classification (germline): Uncertain significance (1 of 4 stars; one submission).

Submission:

GeneDx
Classification: Uncertain significance. Last evaluated: 2024-03-07. Review status: criteria provided, single submitter. Criteria: GeneDx Variant Classification Process June 2021. Collection method: clinical testing. Allele origin: germline. Affected: yes.
Comment: Not observed at significant frequency in large population cohorts (gnomAD); In silico analysis supports that this missense variant has a deleterious effect on protein structure/function; Has not been previously published as pathogenic or benign to our knowledge

NM_001615.4(ACTG2):c.455T>A (p.Ile152Asn)

Gene: ACTG2 (actin gamma 2, smooth muscle; plus strand). Cytogenetic location: 2p13.1.
Variant type: single nucleotide variant.
Coding change: c.455T>A on transcript NM_001615.4 (MANE Select); coding-DNA position 455, T replaced by A.
Protein change: p.Ile152Asn; replaces isoleucine 152 with asparagine.
Molecular consequence: missense variant.
Genome position (GRCh38, 1-based): chr2:73,913,488, T>A. VCF-style: chr2-73913488-T-A. GRCh37 (hg19) VCF-style: chr2-74140615-T-A.
Other names: c.326T>A, p.Ile109Asn (NM_001199893.2); short protein forms I109N, I152N.
Identifiers: ClinVar variation 3369720 (VCV003369720.1).
Genomic context (GRCh38, chr2:73,913,488, plus strand): 5'-GAGACTGATGAAAGGCAAGAATGAGAATTTTATAAGCCTGATCCTCTCTGTCCACAGGCA[T>A]CGTCCTGGATTCAGGTGATGGCGTCACCCACAATGTCCCCATCTATGAAGGCTATGCCCT-3'
Protein context (NP_001606.1, residues 142-162): SLYASGRTTG[Ile152Asn]VLDSGDGVTH